The following is an entry in ClinVar:

NM_001256789.3(CACNA1F):c.3236+1G>A

Gene: CACNA1F (calcium voltage-gated channel subunit alpha1 F; minus strand). Cytogenetic location: Xp11.23.
Variant type: single nucleotide variant.
Coding change: c.3236+1G>A on transcript NM_001256789.3 (MANE Select); the canonical splice donor site of the intron after coding-DNA position 3236, G replaced by A.
Molecular consequence: splice donor variant.
Genome position (GRCh38, 1-based): chrX:49,216,381, C>T on the plus strand (G>A on the coding strand, the complement: CACNA1F is on the minus strand). VCF-style: chrX-49216381-C-T. GRCh37 (hg19) VCF-style: chrX-49072841-C-T.
Other names: c.3269+1G>A (NM_005183.4); c.3074+1G>A (NM_001256790.3).
Identifiers: ClinVar variation 425497 (VCV000425497.52), dbSNP rs1064797371, ClinGen allele CA16621894.

ClinVar aggregate classification (germline): Pathogenic/Likely pathogenic. Review status: criteria provided, multiple submitters, no conflicts (2 of 4 stars). 5 submissions from 5 submitters: Pathogenic (3); Likely pathogenic (2). Last evaluated 2025-02-13.

Conditions:
CACNA1F-related disorder. Also called: CACNA1F-related condition.
Aland island eye disease (AIED). Also called: Forsius Eriksson type ocular albinism. Identifiers: Orphanet 178333, MedGen C0268505, MONDO:0010371, OMIM 300600.

Allele frequency attached by ClinVar (database versions not stated): TOPMed below 0.00001.
gnomAD v4.1: 1 of 1,210,661 alleles (0.000083%); highest among the groups gnomAD compares: Non-Finnish European, 0.00011%; no homozygotes.

Submissions (7):

GeneDx
Classification: Likely pathogenic. Last evaluated: 2025-02-13. Review status: criteria provided, single submitter. Criteria: GeneDx Variant Classification Process June 2021. Collection method: clinical testing. Allele origin: germline. Affected: yes.
Comment: Canonical splice site variant predicted to result in an in-frame loss of the adjacent exon in a gene for which loss of function is a known mechanism of disease; Not observed at significant frequency in large population cohorts (gnomAD); This variant is associated with the following publications: (PMID: 28002560, 38219857, 28341476, 30825406, 38522615, 36672771)

Labcorp Genetics (formerly Invitae), Labcorp
Classification: Pathogenic. Last evaluated: 2023-11-27. Review status: criteria provided, single submitter. Criteria: Invitae Variant Classification Sherloc (09022015). Collection method: clinical testing. Allele origin: germline.
Comment: This sequence change affects a donor splice site in intron 27 of the CACNA1F gene. It is expected to disrupt RNA splicing. Variants that disrupt the donor or acceptor splice site typically lead to a loss of protein function (PMID: 16199547), and loss-of-function variants in CACNA1F are known to be pathogenic (PMID: 9662399, 11281458, 17525176, 22194652, 24124559, 26992781). This variant is not present in population databases (gnomAD no frequency). Disruption of this splice site has been observed in individuals with Aland Island eye disease and/or congenital stationary night blindness (PMID: 28002560, 28341476). ClinVar contains an entry for this variant (Variation ID: 425497). Algorithms developed to predict the effect of sequence changes on RNA splicing suggest that this variant may disrupt the consensus splice site. For these reasons, this variant has been classified as Pathogenic.

Blueprint Genetics
Classification: Pathogenic for CACNA1F-related disorders. Last evaluated: 2022-03-31. Review status: criteria provided, single submitter. Criteria: ACMG Guidelines, 2015. Collection method: clinical testing. Allele origin: germline. Affected: yes. Observed: 5 variant alleles.

Institute of Human Genetics, University of Leipzig Medical Center
Classification: Pathogenic for Aland island eye disease. Last evaluated: 2019-07-18. Review status: criteria provided, single submitter. Criteria: ACMG Guidelines, 2015. Collection method: clinical testing. Allele origin: germline. Affected: yes. Observed: 2 variant alleles.
Comment: This variant was identified as hemizygous

CeGaT Center for Human Genetics Tuebingen
Classification: Likely pathogenic. Last evaluated: 2017-02-01. Review status: criteria provided, single submitter. Criteria: CeGaT Center For Human Genetics Tuebingen Variant Classification Criteria Version 2. Collection method: clinical testing. Allele origin: germline. Affected: yes. Observed: 1 variant allele.

Dr. Peter K. Rogan Lab, Western University
No classification provided (evidence only). Condition: Clear cell carcinoma of kidney. Review status: no classification provided. Collection method: in vitro. Allele origin: not applicable. Functional consequence: retained intron. Not counted in ClinVar's aggregate classification.

Dr. Peter K. Rogan Lab, Western University
No classification provided (evidence only). Condition: Colon adenocarcinoma. Review status: no classification provided. Collection method: in vitro. Allele origin: not applicable. Functional consequence: retained intron. Not counted in ClinVar's aggregate classification.

Literature cited by the submitters: PubMed 16199547 (cited by Labcorp Genetics (formerly Invitae), Labcorp); PubMed 9662399 (cited by Labcorp Genetics (formerly Invitae), Labcorp); PubMed 11281458 (cited by Labcorp Genetics (formerly Invitae), Labcorp); PubMed 17525176 (cited by Labcorp Genetics (formerly Invitae), Labcorp); PubMed 22194652 (cited by Labcorp Genetics (formerly Invitae), Labcorp); PubMed 24124559 (cited by Labcorp Genetics (formerly Invitae), Labcorp); PubMed 26992781 (cited by Labcorp Genetics (formerly Invitae), Labcorp); PubMed 28002560 (cited by Labcorp Genetics (formerly Invitae), Labcorp); PubMed 28341476 (cited by Labcorp Genetics (formerly Invitae), Labcorp).